The following is an entry in ClinVar:

ClinVar aggregate classification (germline): Uncertain significance (1 of 4 stars; one submission).

Conditions:
Perlman syndrome (PRLMNS). Identifiers: Orphanet 2849, MedGen C0796113, MONDO:0009965, OMIM 267000.

Submission:

Labcorp Genetics (formerly Invitae), Labcorp
Classification: Uncertain significance for Perlman syndrome. Last evaluated: 2024-04-05. Review status: criteria provided, single submitter. Criteria: Invitae Variant Classification Sherloc (09022015). Collection method: clinical testing. Allele origin: germline.
Comment: This sequence change replaces histidine, which is basic and polar, with glutamine, which is neutral and polar, at codon 712 of the DIS3L2 protein (p.His712Gln). This variant is not present in population databases (gnomAD no frequency). This variant has not been reported in the literature in individuals affected with DIS3L2-related conditions. ClinVar contains an entry for this variant (Variation ID: 531915). Advanced modeling of protein sequence and biophysical properties (such as structural, functional, and spatial information, amino acid conservation, physicochemical variation, residue mobility, and thermodynamic stability) performed at Invitae indicates that this missense variant is not expected to disrupt DIS3L2 protein function with a negative predictive value of 80%. In summary, the available evidence is currently insufficient to determine the role of this variant in disease. Therefore, it has been classified as a Variant of Uncertain Significance.

NM_152383.5(DIS3L2):c.2136C>A (p.His712Gln)

Gene: DIS3L2 (DIS3 like 3'-5' exoribonuclease 2; plus strand). Cytogenetic location: 2q37.1.
Variant type: single nucleotide variant.
Coding change: c.2136C>A on transcript NM_152383.5 (MANE Select); coding-DNA position 2136, C replaced by A.
Protein change: p.His712Gln; replaces histidine 712 with glutamine.
Molecular consequence: missense variant. On other transcripts: non-coding transcript variant (2), intron variant (1).
Genome position (GRCh38, 1-based): chr2:232,333,965, C>A. VCF-style: chr2-232333965-C-A. GRCh37 (hg19) VCF-style: chr2-233198675-C-A.
Other names: c.1582-9380C>A (NM_001257281.2); short protein forms H712Q.
Identifiers: ClinVar variation 531915 (VCV000531915.8), dbSNP rs566391334, ClinGen allele CA350977554.